The following is an entry in ClinVar:

ClinVar aggregate classification (germline): Benign (1 of 4 stars; one submission).

Allele frequency attached by ClinVar (database versions not stated): gnomAD 0.03426 and 0.03673; TOPMed 0.03603; 1000 Genomes Project 0.03974; 1000 Genomes Project 30x 0.04294.
gnomAD v4.1: 5,173 of 152,318 alleles (3.4%); highest among the groups gnomAD compares: African/African-American, 11%; 274 homozygotes.

Submission:

GeneDx
Classification: Benign. Last evaluated: 2018-06-16. Review status: criteria provided, single submitter. Criteria: GeneDx Variant Classification (06012015). Collection method: clinical testing. Allele origin: germline. Affected: yes.
Comment: This variant is considered likely benign or benign based on one or more of the following criteria: it is a conservative change, it occurs at a poorly conserved position in the protein, it is predicted to be benign by multiple in silico algorithms, and/or has population frequency not consistent with disease.

NM_002230.4(JUP):c.2046+190T>C

Gene: JUP (junction plakoglobin; minus strand). Cytogenetic location: 17q21.2.
Variant type: single nucleotide variant.
Coding change: c.2046+190T>C on transcript NM_002230.4 (MANE Select); 190 bases into the intron after coding-DNA position 2046, T replaced by C.
Molecular consequence: intron variant.
Genome position (GRCh38, 1-based): chr17:41,757,225, A>G on the plus strand (T>C on the coding strand, the complement: JUP is on the minus strand). VCF-style: chr17-41757225-A-G. GRCh37 (hg19) VCF-style: chr17-39913477-A-G.
Other names: c.2046+190T>C (NM_001352774.2, NM_021991.4, NM_001352776.2 and 3 more transcripts).
Identifiers: ClinVar variation 673819 (VCV000673819.1), dbSNP rs9893041, ClinGen allele CA290695372.